The following is an entry in ClinVar:

NM_001854.4(COL11A1):c.4318C>G (p.Pro1440Ala)

Gene: COL11A1 (collagen type XI alpha 1 chain; minus strand). Cytogenetic location: 1p21.1.
Variant type: single nucleotide variant.
Coding change: c.4318C>G on transcript NM_001854.4 (MANE Select); coding-DNA position 4318, C replaced by G.
Protein change: p.Pro1440Ala; replaces proline 1440 with alanine.
Molecular consequence: missense variant. On other transcripts: non-coding transcript variant (1).
Genome position (GRCh38, 1-based): chr1:102,890,489, G>C on the plus strand (C>G on the coding strand, the complement: COL11A1 is on the minus strand). VCF-style: chr1-102890489-G-C. GRCh37 (hg19) VCF-style: chr1-103356045-G-C.
Other names: c.4201C>G, p.Pro1401Ala (NM_001190709.2); c.4354C>G, p.Pro1452Ala (NM_080629.3); c.3970C>G, p.Pro1324Ala (NM_080630.4); short protein forms P1401A, P1452A, P1324A, P1440A.
Identifiers: ClinVar variation 4742230 (VCV004742230.1).

ClinVar aggregate classification (germline): Uncertain significance (1 of 4 stars; one submission).

gnomAD v4.1: 1 of 1,607,136 alleles (0.000062%); highest among the groups gnomAD compares: Non-Finnish European, 0.000085%; no homozygotes.

Submission:

Labcorp Genetics (formerly Invitae), Labcorp
Classification: Uncertain significance. Last evaluated: 2026-01-14. Review status: criteria provided, single submitter. Criteria: Invitae Variant Classification Sherloc (09022015). Collection method: clinical testing. Allele origin: germline.
Comment: This sequence change replaces proline, which is neutral and non-polar, with alanine, which is neutral and non-polar, at codon 1440 of the COL11A1 protein (p.Pro1440Ala). This variant is not present in population databases (gnomAD no frequency). This variant has not been reported in the literature in individuals affected with COL11A1-related conditions. Invitae Evidence Modeling of protein sequence and biophysical properties (such as structural, functional, and spatial information, amino acid conservation, physicochemical variation, residue mobility, and thermodynamic stability) indicates that this missense variant is not expected to disrupt COL11A1 protein function with a negative predictive value of 80%. In summary, the available evidence is currently insufficient to determine the role of this variant in disease. Therefore, it has been classified as a Variant of Uncertain Significance.